The following is an entry in ClinVar:

ClinVar aggregate classification (germline): Uncertain significance. Review status: criteria provided, multiple submitters, no conflicts (2 of 4 stars). 4 submissions from 4 submitters: Uncertain significance (3). 1 of the submissions does not count toward it. Last evaluated 2023-10-26.

Conditions:
Goldmann-Favre syndrome. Identifiers: Orphanet 53540, MedGen C0339541, MONDO:0100289.
Enhanced S-cone syndrome (ESCS). Identifiers: Orphanet 53540, MedGen C1849394, MONDO:0100288, MONDO:0009989.
Retinitis pigmentosa 37 (RP37). Identifiers: Orphanet 791, MedGen C1970163, MONDO:0012625, OMIM 611131.

Allele frequency attached by ClinVar (database versions not stated): gnomAD 0.00001; gnomAD exomes 0.00002; TOPMed 0.00002; ExAC 0.00004.
gnomAD v4.1: 34 of 1,574,020 alleles (0.0022%); highest among the groups gnomAD compares: Non-Finnish European, 0.0028%; no homozygotes.

Submissions (4):

Blueprint Genetics
Classification: Uncertain significance. Last evaluated: 2023-10-26. Review status: criteria provided, single submitter. Criteria: ACMG Guidelines, 2015. Collection method: clinical testing. Allele origin: germline.

Labcorp Genetics (formerly Invitae), Labcorp
Classification: Uncertain significance. Last evaluated: 2022-09-02. Review status: criteria provided, single submitter. Criteria: Invitae Variant Classification Sherloc (09022015). Collection method: clinical testing. Allele origin: germline.
Comment: This sequence change replaces alanine, which is neutral and non-polar, with proline, which is neutral and non-polar, at codon 23 of the NR2E3 protein (p.Ala23Pro). This variant is present in population databases (rs771928643, gnomAD 0.003%). This missense change has been observed in individual(s) with NR2E3-related conditions (PMID: 19718767). ClinVar contains an entry for this variant (Variation ID: 856848). In summary, the available evidence is currently insufficient to determine the role of this variant in disease. Therefore, it has been classified as a Variant of Uncertain Significance.

Fulgent Genetics
Classification: Uncertain significance for ENHANCED S-CONE SYNDROME 1; Retinitis pigmentosa 37. Last evaluated: 2021-07-02. Review status: criteria provided, single submitter. Criteria: ACMG Guidelines, 2015. Collection method: clinical testing. Allele origin: unknown.

Natera, Inc.
Classification: Uncertain significance for Goldmann-Favre syndrome. Last evaluated: 2020-09-16. Review status: no assertion criteria provided. Collection method: clinical testing. Allele origin: germline. Not counted in ClinVar's aggregate classification.

Literature cited by the submitters: PubMed 19718767 (cited by Labcorp Genetics (formerly Invitae), Labcorp).

NM_014249.4(NR2E3):c.67G>C (p.Ala23Pro)

Gene: NR2E3 (nuclear receptor subfamily 2 group E member 3; plus strand). Cytogenetic location: 15q23.
Variant type: single nucleotide variant.
Coding change: c.67G>C on transcript NM_014249.4 (MANE Select); coding-DNA position 67, G replaced by C.
Protein change: p.Ala23Pro; replaces alanine 23 with proline.
Molecular consequence: missense variant.
Genome position (GRCh38, 1-based): chr15:71,810,810, G>C. VCF-style: chr15-71810810-G-C. GRCh37 (hg19) VCF-style: chr15-72103150-G-C.
Other names: c.67G>C (NM_014249.2); c.67G>C, p.Ala23Pro (NM_016346.4); short protein forms A23P.
Identifiers: ClinVar variation 856848 (VCV000856848.10), dbSNP rs771928643, ClinGen allele CA7640183.
Genomic context (GRCh38, chr15:71,810,810, plus strand): 5'-ACCAGACCAACAGCTCTGATGAGCTCCACAGTGGCTGCAGCTGCGCCTGCAGCTGGGGCT[G>C]CCTCCAGGAAGGAGTCTCCAGGCAGATGGGGCCTGGGGGAGGATCCCACAGGTATGGCTT-3'
Protein context (NP_055064.1, residues 13-33): VAAAAPAAGA[Ala23Pro]SRKESPGRWG